The following is an entry in ClinVar:

ClinVar aggregate classification (germline): Uncertain significance. Review status: criteria provided, multiple submitters, no conflicts (2 of 4 stars). 3 submissions from 3 submitters: Uncertain significance (3). Last evaluated 2024-10-09.

Conditions:
Fanconi anemia complementation group P. Also called: SLX4-Related Fanconi Anemia. Identifiers: Orphanet 84, MedGen C3469542, MONDO:0013499, OMIM 613951.
Fanconi anemia (FA). Also called: Fanconi's anemia. Identifiers: Orphanet 84, MedGen C0015625, MeSH D005199, MONDO:0019391.

Allele frequency attached by ClinVar (database versions not stated): gnomAD 0.00001; ExAC 0.00002; TOPMed 0.00003; ESP Exome Variant Server 0.00008.
gnomAD v4.1: 6 of 1,613,974 alleles (0.00037%); highest among the groups gnomAD compares: African/African-American, 0.004%; no homozygotes.

Submissions (3):

GeneDx
Classification: Uncertain significance. Last evaluated: 2024-10-09. Review status: criteria provided, single submitter. Criteria: GeneDx Variant Classification Process June 2021. Collection method: clinical testing. Allele origin: germline. Affected: yes.
Comment: In silico analysis indicates that this missense variant does not alter protein structure/function; Has not been previously published as pathogenic or benign to our knowledge

Fulgent Genetics
Classification: Uncertain significance for Fanconi anemia complementation group P. Last evaluated: 2024-03-19. Review status: criteria provided, single submitter. Criteria: ACMG Guidelines, 2015. Collection method: clinical testing. Allele origin: germline.

Labcorp Genetics (formerly Invitae), Labcorp
Classification: Uncertain significance for Fanconi anemia. Last evaluated: 2022-06-13. Review status: criteria provided, single submitter. Criteria: Invitae Variant Classification Sherloc (09022015). Collection method: clinical testing. Allele origin: germline.
Comment: This sequence change replaces isoleucine, which is neutral and non-polar, with threonine, which is neutral and polar, at codon 483 of the SLX4 protein (p.Ile483Thr). This variant is present in population databases (rs373381697, gnomAD 0.008%). This variant has not been reported in the literature in individuals affected with SLX4-related conditions. Algorithms developed to predict the effect of missense changes on protein structure and function output the following: SIFT: "Tolerated"; PolyPhen-2: "Benign"; Align-GVGD: "Class C0". The threonine amino acid residue is found in multiple mammalian species, which suggests that this missense change does not adversely affect protein function. In summary, the available evidence is currently insufficient to determine the role of this variant in disease. Therefore, it has been classified as a Variant of Uncertain Significance.

NM_032444.4(SLX4):c.1448T>C (p.Ile483Thr)

Gene: SLX4 (SLX4 structure-specific endonuclease subunit; minus strand). Cytogenetic location: 16p13.3.
Variant type: single nucleotide variant.
Coding change: c.1448T>C on transcript NM_032444.4 (MANE Select); coding-DNA position 1448, T replaced by C.
Protein change: p.Ile483Thr; replaces isoleucine 483 with threonine.
Molecular consequence: missense variant.
Genome position (GRCh38, 1-based): chr16:3,597,614, A>G on the plus strand (T>C on the coding strand, the complement: SLX4 is on the minus strand). VCF-style: chr16-3597614-A-G. GRCh37 (hg19) VCF-style: chr16-3647615-A-G.
Other names: short protein forms I483T.
Identifiers: ClinVar variation 1946286 (VCV001946286.4), dbSNP rs373381697, ClinGen allele CA7866513.